The following is an entry in ClinVar:

NM_002291.3(LAMB1):c.2489A>G (p.Asn830Ser)

Gene: LAMB1 (laminin subunit beta 1; minus strand). Cytogenetic location: 7q31.1.
Variant type: single nucleotide variant.
Coding change: c.2489A>G on transcript NM_002291.3 (MANE Select); coding-DNA position 2489, A replaced by G.
Protein change: p.Asn830Ser; replaces asparagine 830 with serine.
Molecular consequence: missense variant.
Genome position (GRCh38, 1-based): chr7:107,959,450, T>C on the plus strand (A>G on the coding strand, the complement: LAMB1 is on the minus strand). VCF-style: chr7-107959450-T-C. GRCh37 (hg19) VCF-style: chr7-107599895-T-C.
Other names: short protein forms N830S.
Identifiers: ClinVar variation 1432729 (VCV001432729.8), dbSNP rs758125105, ClinGen allele CA4435610.
Genomic context (GRCh38, chr7:107,959,450, plus strand): 5'-TGCCGAGCATACACTCCCTGGAAACAGTGGCACTGGCCAGTGACGGGATTGCAGAAGGCA[T>C]TGACAGATCCTTGCAGATGGCACTCACAAGCTAAAGAAACAGGCAAACAAGGAACTGCCT-3'
Protein context (NP_002282.2, residues 820-840): PCECHLQGSV[Asn830Ser]AFCNPVTGQC

ClinVar aggregate classification (germline): Uncertain significance (1 of 4 stars; one submission).

Allele frequency attached by ClinVar (database versions not stated): TOPMed 0.00002; ExAC 0.00003; gnomAD exomes 0.00004.
gnomAD v4.1: 34 of 1,614,130 alleles (0.0021%); highest among the groups gnomAD compares: South Asian, 0.018%; no homozygotes.

Submission:

Labcorp Genetics (formerly Invitae), Labcorp
Classification: Uncertain significance. Last evaluated: 2021-07-12. Review status: criteria provided, single submitter. Criteria: Invitae Variant Classification Sherloc (09022015). Collection method: clinical testing. Allele origin: germline.
Comment: This variant is present in population databases (rs758125105, ExAC 0.01%). This sequence change replaces asparagine with serine at codon 830 of the LAMB1 protein (p.Asn830Ser). The asparagine residue is moderately conserved and there is a small physicochemical difference between asparagine and serine. In summary, the available evidence is currently insufficient to determine the role of this variant in disease. Therefore, it has been classified as a Variant of Uncertain Significance. Algorithms developed to predict the effect of missense changes on protein structure and function output the following: SIFT: "Tolerated"; PolyPhen-2: "Benign"; Align-GVGD: "Class C0". The serine amino acid residue is found in multiple mammalian species, which suggests that this missense change does not adversely affect protein function. This variant has not been reported in the literature in individuals affected with LAMB1-related conditions.